The following is an entry in ClinVar:

NM_001252102.2(KIF21B):c.1571C>T (p.Pro524Leu)

Gene: KIF21B (kinesin family member 21B; minus strand). Cytogenetic location: 1q32.1.
Variant type: single nucleotide variant.
Coding change: c.1571C>T on transcript NM_001252102.2 (MANE Select); coding-DNA position 1571, C replaced by T.
Protein change: p.Pro524Leu; replaces proline 524 with leucine.
Molecular consequence: missense variant.
Genome position (GRCh38, 1-based): chr1:201,000,504, G>A on the plus strand (C>T on the coding strand, the complement: KIF21B is on the minus strand). VCF-style: chr1-201000504-G-A. GRCh37 (hg19) VCF-style: chr1-200969632-G-A.
Other names: c.1571C>T, p.Pro524Leu (NM_001252100.2, NM_001252103.2, NM_017596.4); short protein forms P524L.
Identifiers: ClinVar variation 4858897 (VCV004858897.1).
Genomic context (GRCh38, chr1:201,000,504, plus strand): 5'-GCCCTGCGGATCACCTCCGAGGCATCCTCCATGGAGCTGGCAGGGCTGCCCCCGAAGGCC[G>A]GGGCGGCTGGAGAAGCACCCAGGGAGTAGGGGCTCCTAGCCGAGGCCCGTGAGAGGCTGC-3'
Protein context (NP_001239031.1, residues 514-534): PYSLGASPAA[Pro524Leu]AFGGSPASSM

ClinVar aggregate classification (germline): Uncertain significance (1 of 4 stars; one submission).

gnomAD v4.1: 2 of 1,609,942 alleles (0.00012%); highest among the groups gnomAD compares: Non-Finnish European, 0.00017%; no homozygotes.

Submission:

Ambry Genetics
Classification: Uncertain significance. Last evaluated: 2026-05-05. Review status: criteria provided, single submitter. Criteria: Ambry Variant Classification Scheme 2023. Collection method: clinical testing. Allele origin: germline.
Comment: The c.1571C>T (p.P524L) alteration is located in exon 11 (coding exon 11) of the KIF21B gene. This alteration results from a C to T substitution at nucleotide position 1571, causing the proline (P) at amino acid position 524 to be replaced by a leucine (L). Based on data from gnomAD, the T allele has an overall frequency of <0.001% (0/248334) total alleles studied. The highest observed frequency was <0.001% (/) of alleles. Based on insufficient or conflicting evidence, the clinical significance of this alteration remains unclear.